The following is an entry in ClinVar:

ClinVar aggregate classification (germline): Benign. Review status: criteria provided, multiple submitters, no conflicts (2 of 4 stars). 2 submissions from 2 submitters: Benign (2). Last evaluated 2018-06-19.

Allele frequency attached by ClinVar (database versions not stated): 1000 Genomes Project 30x 0.06262; 1000 Genomes Project 0.06290; gnomAD 0.07435 and 0.07478; TOPMed 0.07615; gnomAD exomes 0.07636.
gnomAD v4.1: 87,130 of 1,142,142 alleles (7.6%); highest among the groups gnomAD compares: Middle Eastern, 17%; 3,779 homozygotes.

Submissions (2):

GeneDx
Classification: Benign. Last evaluated: 2018-06-19. Review status: criteria provided, single submitter. Criteria: GeneDx Variant Classification (06012015). Collection method: clinical testing. Allele origin: germline. Affected: yes.
Comment: This variant is considered likely benign or benign based on one or more of the following criteria: it is a conservative change, it occurs at a poorly conserved position in the protein, it is predicted to be benign by multiple in silico algorithms, and/or has population frequency not consistent with disease.

Breakthrough Genomics
Classification: Benign. Review status: criteria provided, single submitter. Criteria: ACMG Guidelines, 2015. Collection method: not provided. Allele origin: germline. Inheritance: Autosomal dominant inheritance. Affected: yes.

NM_001271.4(CHD2):c.2973+57A>G

Genes: CHD2 (chromodomain helicase DNA binding protein 2; plus strand), LOC126862230 (P300/CBP strongly-dependent group 1 enhancer GRCh37_chr15:93523977-93525176; plus strand). Cytogenetic location: 15q26.1.
Variant type: single nucleotide variant.
Coding change: c.2973+57A>G on transcript NM_001271.4 (MANE Select); 57 bases into the intron after coding-DNA position 2973, A replaced by G.
Molecular consequence: intron variant.
Genome position (GRCh38, 1-based): chr15:92,980,968, A>G. VCF-style: chr15-92980968-A-G. GRCh37 (hg19) VCF-style: chr15-93524198-A-G.
Identifiers: ClinVar variation 681302 (VCV000681302.2), dbSNP rs8041241, ClinGen allele CA15838536.
Genomic context (GRCh38, chr15:92,980,968, plus strand): 5'-TCAGGTAATTAACAATGAGGAGAGGGAAATTTTTTTGAGAAGTATGATCTGTGAGAGTCT[A>G]ACTTTTCTGTAAGAAGATTCTGTTAGAGGCTTTTGTAAAGAAAAAGTAATTACTTGAAGG-3'